The following is an entry in ClinVar:

ClinVar aggregate classification (germline): Uncertain significance (1 of 4 stars; one submission).

Allele frequency attached by ClinVar (database versions not stated): gnomAD exomes below 0.00001.
gnomAD v4.1: 3 of 1,595,198 alleles (0.00019%); highest among the groups gnomAD compares: Non-Finnish European, 0.00026%; no homozygotes.

Submission:

Ambry Genetics
Classification: Uncertain significance. Last evaluated: 2023-03-21. Review status: criteria provided, single submitter. Criteria: Ambry Variant Classification Scheme 2023. Collection method: clinical testing. Allele origin: germline.
Comment: The p.A270G variant (also known as c.809C>G) is located in coding exon 10 of the PRKDC gene. The alanine at codon 270 is replaced by glycine, an amino acid with similar properties. This change occurs in the first base pair of coding exon 10. This amino acid position is conserved. In addition, the in silico prediction for this alteration is inconclusive. Since supporting evidence is limited at this time, the clinical significance of this alteration remains unclear.

NM_006904.7(PRKDC):c.809C>G (p.Ala270Gly)

Gene: PRKDC (protein kinase, DNA-activated, catalytic subunit; minus strand). Cytogenetic location: 8q11.21.
Variant type: single nucleotide variant.
Coding change: c.809C>G on transcript NM_006904.7 (MANE Select); coding-DNA position 809, C replaced by G.
Protein change: p.Ala270Gly; replaces alanine 270 with glycine.
Molecular consequence: missense variant.
Genome position (GRCh38, 1-based): chr8:47,943,366, G>C on the plus strand (C>G on the coding strand, the complement: PRKDC is on the minus strand). VCF-style: chr8-47943366-G-C. GRCh37 (hg19) VCF-style: chr8-48855926-G-C.
Other names: c.809C>G, p.Ala270Gly (NM_001081640.2); short protein forms A270G.
Identifiers: ClinVar variation 2564500 (VCV002564500.2), dbSNP rs2551880646, ClinGen allele CA371136321.
Genomic context (GRCh38, chr8:47,943,366, plus strand): 5'-TAGTTGTCCAGAAGGCAGGTGCTAAACTGAGATGCATGCAGGGCAAATAGGCGCAAGCCA[G>C]CTGCAAATGCAAATGCCATTATATTTAAAATCAGACGACATAACACAGAACAGAAAACCA-3'
Protein context (NP_008835.5, residues 260-280): IDLKRYAVPS[Ala270Gly]GLRLFALHAS